The following is an entry in ClinVar:

NM_016341.4(PLCE1):c.6757G>A (p.Ala2253Thr)

Genes: PLCE1 (phospholipase C epsilon 1; plus strand), NOC3L (NOC3 like DNA replication regulator; minus strand). Cytogenetic location: 10q23.33.
Variant type: single nucleotide variant.
Coding change: c.6757G>A on transcript NM_016341.4 (MANE Select); coding-DNA position 6757, G replaced by A.
Protein change: p.Ala2253Thr; replaces alanine 2253 with threonine.
Molecular consequence: missense variant.
Genome position (GRCh38, 1-based): chr10:94,324,928, G>A. VCF-style: chr10-94324928-G-A. GRCh37 (hg19) VCF-style: chr10-96084685-G-A.
Other names: c.5833G>A, p.Ala1945Thr (NM_001165979.2); c.6709G>A, p.Ala2237Thr (NM_001288989.2); short protein forms A1945T, A2253T, A2237T.
Identifiers: ClinVar variation 800752 (VCV000800752.13), dbSNP rs180876175, ClinGen allele CA5613662.

ClinVar aggregate classification (germline): Uncertain significance. Review status: criteria provided, multiple submitters, no conflicts (2 of 4 stars). 4 submissions from 4 submitters: Uncertain significance (3). 1 of the submissions does not count toward it. Last evaluated 2026-02-05.

Conditions:
Nephrotic syndrome, type 3 (NPHS3). Also called: NEPHROTIC SYNDROME, EARLY-ONSET, TYPE 3. Identifiers: Orphanet 656, MedGen C1853124, MONDO:0012546, OMIM 610725.

Allele frequency attached by ClinVar (database versions not stated): ExAC 0.00002; TOPMed 0.00002; 1000 Genomes Project 30x 0.00031; 1000 Genomes Project 0.00040.
gnomAD v4.1: 39 of 1,614,108 alleles (0.0024%); highest among the groups gnomAD compares: African/African-American, 0.008%; no homozygotes.

Submissions (4):

GeneDx
Classification: Uncertain significance. Last evaluated: 2026-02-05. Review status: criteria provided, single submitter. Criteria: GeneDx Variant Classification Process June 2021. Collection method: clinical testing. Allele origin: germline.
Comment: In silico analysis suggests that this missense variant does not alter protein structure/function; Has not been previously published as pathogenic or benign to our knowledge

CeGaT Center for Human Genetics Tuebingen
Classification: Uncertain significance. Last evaluated: 2025-05-01. Review status: criteria provided, single submitter. Criteria: CeGaT Center For Human Genetics Tuebingen Variant Classification Criteria Version 2. Collection method: clinical testing. Allele origin: germline. Affected: yes. Observed: 1 variant allele.
Comment: PLCE1: PM2, BP4

Fulgent Genetics
Classification: Uncertain significance for Nephrotic syndrome, type 3. Last evaluated: 2021-11-09. Review status: criteria provided, single submitter. Criteria: ACMG Guidelines, 2015. Collection method: clinical testing. Allele origin: unknown.

Biochemical Molecular Genetic Laboratory, King Abdulaziz Medical City
Classification: Uncertain significance for Nephrotic syndrome, type 3. Last evaluated: 2019-01-29. Review status: no assertion criteria provided. Collection method: clinical testing. Allele origin: germline. Affected: yes. Not counted in ClinVar's aggregate classification.